The following is an entry in ClinVar:

ClinVar aggregate classification (germline): Likely pathogenic. Review status: criteria provided, multiple submitters, no conflicts (2 of 4 stars). 3 submissions from 3 submitters: Likely pathogenic (3). Last evaluated 2024-08-01.

Conditions:
Autosomal recessive bestrophinopathy. Also called: Autosomal Recessive Bestrophinopathy (ARB). Identifiers: Orphanet 139455, MedGen C3888198, MONDO:0012733, OMIM 611809.
BEST1-related disorder. Also called: BEST1-related disorders; BEST1-related condition. Identifiers: MedGen CN239200.

gnomAD v4.1: 1 of 1,550,464 alleles (0.000064%); highest among the groups gnomAD compares: Middle Eastern, 0.017%; no homozygotes.

Submissions (3):

3billion
Classification: Likely pathogenic for Autosomal recessive bestrophinopathy. Last evaluated: 2024-08-01. Review status: criteria provided, single submitter. Criteria: ACMG Guidelines, 2015. Collection method: clinical testing. Allele origin: germline. Affected: yes.
Comment: The variant is observed at an extremely low frequency in the gnomAD v4.0.0 dataset (total allele frequency: <0.001%). Predicted Consequence/Location: Missense variant In silico tool predictions suggest damaging effect of the variant on gene or gene product [REVEL: 0.97 (>=0.6, sensitivity 0.68 and specificity 0.92); 3Cnet: 0.99 (>=0.6, sensitivity 0.72 and precision 0.9)]. The same nucleotide change resulting in the same amino acid change has been previously reported as pathogenic/likely pathogenic with strong evidence (ClinVar ID: VCV001676943 /3billion dataset). A different missense change at the same codon (p.Arg122Trp) has been reported to be associated with BEST1-related disorder (ClinVar ID: VCV001708389). Therefore, this variant is classified as Likely pathogenic according to the recommendation of ACMG/AMP guideline.

Blueprint Genetics
Classification: Likely pathogenic for BEST1-related disorders. Last evaluated: 2023-05-04. Review status: criteria provided, single submitter. Criteria: ACMG Guidelines, 2015. Collection method: clinical testing. Allele origin: germline. Affected: yes. Observed: 2 variant alleles.

Medical Molecular Genetics Department, National Research Center
Classification: Likely pathogenic for Autosomal recessive bestrophinopathy. Review status: criteria provided, single submitter. Criteria: ACMG Guidelines, 2015. Collection method: clinical testing. Allele origin: somatic. Affected: yes. Observed: 5 variant alleles.

NM_004183.4(BEST1):c.365G>C (p.Arg122Pro)

Gene: BEST1 (bestrophin 1; plus strand). Cytogenetic location: 11q12.3.
Variant type: single nucleotide variant.
Coding change: c.365G>C on transcript NM_004183.4 (MANE Select); coding-DNA position 365, G replaced by C.
Protein change: p.Arg122Pro; replaces arginine 122 with proline.
Molecular consequence: missense variant. On other transcripts: non-coding transcript variant (1).
Genome position (GRCh38, 1-based): chr11:61,955,835, G>C. VCF-style: chr11-61955835-G-C. GRCh37 (hg19) VCF-style: chr11-61723307-G-C.
Other names: c.185G>C, p.Arg62Pro (NM_001139443.3, NM_001300786.2, NM_001300787.2); c.47G>C, p.Arg16Pro (NM_001363591.3); c.365G>C, p.Arg122Pro (NM_001363592.2); c.-811G>C (NM_001363593.3); short protein forms R122P, R16P, R62P.
Identifiers: ClinVar variation 1676943 (VCV001676943.5), dbSNP rs767103810, ClinGen allele CA380834732.